The following is an entry in ClinVar:

NM_000548.5(TSC2):c.1054G>A (p.Glu352Lys)

Gene: TSC2 (TSC complex subunit 2; plus strand). Cytogenetic location: 16p13.3.
Variant type: single nucleotide variant.
Coding change: c.1054G>A on transcript NM_000548.5 (MANE Select); coding-DNA position 1054, G replaced by A.
Protein change: p.Glu352Lys; replaces glutamic acid 352 with lysine.
Molecular consequence: missense variant.
Genome position (GRCh38, 1-based): chr16:2,060,748, G>A. VCF-style: chr16-2060748-G-A. GRCh37 (hg19) VCF-style: chr16-2110749-G-A.
Other names: c.1054G>A, p.Glu352Lys (NM_001077183.3, NM_001114382.3, NM_001363528.2 and 3 more transcripts); c.943G>A, p.Glu315Lys (NM_001318827.2); c.907G>A, p.Glu303Lys (NM_001318829.2); c.454G>A, p.Glu152Lys (NM_001318831.2); c.1087G>A, p.Glu363Lys (NM_001318832.2); short protein forms E315K, E352K, E152K, E303K, E363K.
Identifiers: ClinVar variation 665304 (VCV000665304.12), dbSNP rs1596298442, ClinGen allele CA394317854.
Genomic context (GRCh38, chr16:2,060,748, plus strand): 5'-GAGGTGGTGTCCTATGAGATCGTCCTGTCCATCACCAGGCTCATCAAGAAGTATAGGAAG[G>A]AGCTCCAGGTGGTGGCGTGGGACATTCTGCTGAACATCATCGAACGGCTCCTTCAGCAGC-3'
Protein context (NP_000539.2, residues 342-362): ITRLIKKYRK[Glu352Lys]LQVVAWDILL

ClinVar aggregate classification (germline): Uncertain significance. Review status: criteria provided, multiple submitters, no conflicts (2 of 4 stars). 4 submissions from 4 submitters: Uncertain significance (4). Last evaluated 2025-03-29.

Conditions:
Tuberous sclerosis syndrome (TSC). Also called: Tuberous Sclerosis Complex; Tuberous sclerosis. Identifiers: Orphanet 805, MedGen C0041341, MONDO:0001734.
Hereditary cancer-predisposing syndrome. Also called: Neoplastic Syndromes, Hereditary; Hereditary neoplastic syndrome; Tumor predisposition; Hereditary Cancer Syndrome. Identifiers: Orphanet 140162, MedGen C0027672, MeSH D009386, MONDO:0015356.
Tuberous sclerosis 2 (TSC2). Identifiers: Orphanet 805, MedGen C1860707, MONDO:0013199, OMIM 613254.

Allele frequency attached by ClinVar (database versions not stated): gnomAD exomes below 0.00001.
gnomAD v4.1: 1 of 1,614,148 alleles (0.000062%); highest among the groups gnomAD compares: South Asian, 0.0011%; no homozygotes.

Submissions (4):

Ambry Genetics
Classification: Uncertain significance for Hereditary cancer-predisposing syndrome. Last evaluated: 2025-03-29. Review status: criteria provided, single submitter. Criteria: Ambry Variant Classification Scheme 2023. Collection method: clinical testing. Allele origin: germline.
Comment: The p.E352K variant (also known as c.1054G>A), located in coding exon 10 of the TSC2 gene, results from a G to A substitution at nucleotide position 1054. The glutamic acid at codon 352 is replaced by lysine, an amino acid with similar properties. This amino acid position is conserved. In addition, this alteration is predicted to be deleterious by in silico analysis. Based on the available evidence, the clinical significance of this variant remains unclear.

Labcorp Genetics (formerly Invitae), Labcorp
Classification: Uncertain significance for Tuberous sclerosis 2. Last evaluated: 2022-05-19. Review status: criteria provided, single submitter. Criteria: Invitae Variant Classification Sherloc (09022015). Collection method: clinical testing. Allele origin: germline.
Comment: Advanced modeling of protein sequence and biophysical properties (such as structural, functional, and spatial information, amino acid conservation, physicochemical variation, residue mobility, and thermodynamic stability) performed at Invitae indicates that this missense variant is not expected to disrupt TSC2 protein function. ClinVar contains an entry for this variant (Variation ID: 665304). This variant has not been reported in the literature in individuals affected with TSC2-related conditions. This variant is not present in population databases (gnomAD no frequency). This sequence change replaces glutamic acid, which is acidic and polar, with lysine, which is basic and polar, at codon 352 of the TSC2 protein (p.Glu352Lys). In summary, the available evidence is currently insufficient to determine the role of this variant in disease. Therefore, it has been classified as a Variant of Uncertain Significance.

Genome-Nilou Lab
Classification: Uncertain significance for Tuberous sclerosis 2. Last evaluated: 2021-11-07. Review status: criteria provided, single submitter. Criteria: ACMG Guidelines, 2015. Collection method: clinical testing. Allele origin: germline. Affected: no.

Illumina Laboratory Services, Illumina
Classification: Uncertain significance for Tuberous sclerosis syndrome. Last evaluated: 2018-01-12. Review status: criteria provided, single submitter. Criteria: ICSL Variant Classification Criteria 13 December 2019. Collection method: clinical testing. Allele origin: germline.